The following is an entry in ClinVar:

ClinVar aggregate classification (germline): Uncertain significance (1 of 4 stars; one submission).

Conditions:
Inborn genetic diseases. Identifiers: MedGen C0950123, MeSH D030342.

Submission:

Ambry Genetics
Classification: Uncertain significance for Inborn genetic diseases. Last evaluated: 2025-06-28. Review status: criteria provided, single submitter. Criteria: Ambry Variant Classification Scheme 2023. Collection method: clinical testing. Allele origin: germline.
Comment: The p.A979P variant (also known as c.2935G>C), located in coding exon 30 of the FANCA gene, results from a G to C substitution at nucleotide position 2935. The alanine at codon 979 is replaced by proline, an amino acid with highly similar properties. This amino acid position is conserved. In addition, this alteration is predicted to be tolerated by in silico analysis. Based on the available evidence, the clinical significance of this variant remains unclear.

NM_000135.4(FANCA):c.2935G>C (p.Ala979Pro)

Gene: FANCA (FA complementation group A; minus strand). Cytogenetic location: 16q24.3.
Variant type: single nucleotide variant.
Coding change: c.2935G>C on transcript NM_000135.4 (MANE Select); coding-DNA position 2935, G replaced by C.
Protein change: p.Ala979Pro; replaces alanine 979 with proline.
Molecular consequence: missense variant.
Genome position (GRCh38, 1-based): chr16:89,758,623, C>G on the plus strand (G>C on the coding strand, the complement: FANCA is on the minus strand). VCF-style: chr16-89758623-C-G. GRCh37 (hg19) VCF-style: chr16-89825031-C-G.
Other names: c.2935G>C, p.Ala979Pro (NM_001286167.3); short protein forms A979P.
Identifiers: ClinVar variation 4254163 (VCV004254163.1).